The following is an entry in ClinVar:

NM_005188.4(CBL):c.1027C>G (p.Arg343Gly)

Gene: CBL (Cbl proto-oncogene; plus strand). Cytogenetic location: 11q23.3.
Variant type: single nucleotide variant.
Coding change: c.1027C>G on transcript NM_005188.4 (MANE Select); coding-DNA position 1027, C replaced by G.
Protein change: p.Arg343Gly; replaces arginine 343 with glycine.
Molecular consequence: missense variant.
Genome position (GRCh38, 1-based): chr11:119,277,776, C>G. VCF-style: chr11-119277776-C-G. GRCh37 (hg19) VCF-style: chr11-119148486-C-G.
Other names: c.1027C>G (NM_005188.2); short protein forms R343G.
Identifiers: ClinVar variation 2961326 (VCV002961326.4), dbSNP rs765471101, ClinGen allele CA6318411.

ClinVar aggregate classification (germline): Uncertain significance. Review status: criteria provided, multiple submitters, no conflicts (2 of 4 stars). 2 submissions from 2 submitters: Uncertain significance (2). Last evaluated 2025-03-05.

Conditions:
Cardiovascular phenotype. Identifiers: MedGen CN230736.
RASopathy. Also called: Noonan spectrum disorder; rasopathies. Identifiers: Orphanet 536391, MedGen C5555857, MONDO:0021060.

gnomAD v4.1: 1 of 1,613,542 alleles (0.000062%); highest among the groups gnomAD compares: Non-Finnish European, 0.000085%; no homozygotes.

Submissions (2):

Ambry Genetics
Classification: Uncertain significance for Cardiovascular phenotype. Last evaluated: 2025-03-05. Review status: criteria provided, single submitter. Criteria: Ambry Variant Classification Scheme 2023. Collection method: clinical testing. Allele origin: germline.
Comment: The p.R343G variant (also known as c.1027C>G), located in coding exon 7 of the CBL gene, results from a C to G substitution at nucleotide position 1027. The arginine at codon 343 is replaced by glycine, an amino acid with dissimilar properties. This amino acid position is conserved. In addition, this alteration is predicted to be deleterious by in silico analysis. Based on the available evidence, the clinical significance of this variant remains unclear.

Labcorp Genetics (formerly Invitae), Labcorp
Classification: Uncertain significance for RASopathy. Last evaluated: 2023-01-28. Review status: criteria provided, single submitter. Criteria: Invitae Variant Classification Sherloc (09022015). Collection method: clinical testing. Allele origin: germline.
Comment: In summary, the available evidence is currently insufficient to determine the role of this variant in disease. Therefore, it has been classified as a Variant of Uncertain Significance. Advanced modeling of protein sequence and biophysical properties (such as structural, functional, and spatial information, amino acid conservation, physicochemical variation, residue mobility, and thermodynamic stability) has been performed at Invitae for this missense variant, however the output from this modeling did not meet the statistical confidence thresholds required to predict the impact of this variant on CBL protein function. This variant has not been reported in the literature in individuals affected with CBL-related conditions. This variant is not present in population databases (gnomAD no frequency). This sequence change replaces arginine, which is basic and polar, with glycine, which is neutral and non-polar, at codon 343 of the CBL protein (p.Arg343Gly).